The following is an entry in ClinVar:

ClinVar aggregate classification (germline): Benign/Likely benign. Review status: criteria provided, multiple submitters, no conflicts (2 of 4 stars). 2 submissions from 2 submitters: Benign (1); Likely benign (1). Last evaluated 2023-01-01.

Conditions:
Episodic ataxia type 1 (EA1). Also called: Episodic ataxia/myokymia syndrome; MYOKYMIA WITH PERIODIC ATAXIA; PAROXYSMAL ATAXIA WITH NEUROMYOTONIA, HEREDITARY; ATAXIA, EPISODIC, WITH MYOKYMIA. Identifiers: Orphanet 37612, Orphanet 972, MedGen C1719788, MONDO:0008047, OMIM 160120.

Allele frequency attached by ClinVar (database versions not stated): gnomAD 0.00086 and 0.00111; TOPMed 0.00104; 1000 Genomes Project 0.00240; 1000 Genomes Project 30x 0.00265.

Submissions (2):

CeGaT Center for Human Genetics Tuebingen
Classification: Likely benign. Last evaluated: 2023-01-01. Review status: criteria provided, single submitter. Criteria: CeGaT Center For Human Genetics Tuebingen Variant Classification Criteria Version 2. Collection method: clinical testing. Allele origin: germline. Affected: yes. Observed: 10 variant alleles.
Comment: KCNA1: BS1

Illumina Laboratory Services, Illumina
Classification: Benign for Episodic ataxia type 1. Last evaluated: 2018-01-12. Review status: criteria provided, single submitter. Criteria: ICSL Variant Classification Criteria 13 December 2019. Collection method: clinical testing. Allele origin: germline.
Comment: This variant was observed in the ICSL laboratory as part of a predisposition screen in an ostensibly healthy population. It had not been previously curated by ICSL or reported in the Human Gene Mutation Database (HGMD: prior to June 1st, 2018), and was therefore a candidate for classification through an automated scoring system. Utilizing variant allele frequency, disease prevalence and penetrance estimates, and inheritance mode, an automated score was calculated to assess if this variant is too frequent to cause the disease. Based on the score and internal cut-off values, a variant classified as benign is not then subjected to further curation. The score for this variant resulted in a classification of benign for this disease.

NM_000217.3(KCNA1):c.-235C>A

Gene: KCNA1 (potassium voltage-gated channel subfamily A member 1; plus strand). Cytogenetic location: 12p13.32.
Variant type: single nucleotide variant.
Coding change: c.-235C>A on transcript NM_000217.3 (MANE Select); 235 bases upstream of the start codon, C replaced by A.
Molecular consequence: 5 prime UTR variant.
Genome position (GRCh38, 1-based): chr12:4,911,144, C>A. VCF-style: chr12-4911144-C-A. GRCh37 (hg19) VCF-style: chr12-5020310-C-A.
Identifiers: ClinVar variation 309137 (VCV000309137.37), dbSNP rs113587682, ClinGen allele CA10641542.